The following is an entry in ClinVar:

NM_001142800.2(EYS):c.2189G>A (p.Cys730Tyr)

Gene: EYS (eyes shut homolog; minus strand). Cytogenetic location: 6q12.
Variant type: single nucleotide variant.
Coding change: c.2189G>A on transcript NM_001142800.2 (MANE Select); coding-DNA position 2189, G replaced by A.
Protein change: p.Cys730Tyr; replaces cysteine 730 with tyrosine.
Molecular consequence: missense variant.
Genome position (GRCh38, 1-based): chr6:64,997,652, C>T on the plus strand (G>A on the coding strand, the complement: EYS is on the minus strand). VCF-style: chr6-64997652-C-T. GRCh37 (hg19) VCF-style: chr6-65707545-C-T.
Other names: c.2189G>A, p.Cys730Tyr (NM_001292009.2); short protein forms C730Y.
Identifiers: ClinVar variation 1036546 (VCV001036546.2), dbSNP rs1240334331, ClinGen allele CA364788466.

ClinVar aggregate classification (germline): Uncertain significance (1 of 4 stars; one submission).

Allele frequency attached by ClinVar (database versions not stated): gnomAD exomes below 0.00001; gnomAD 0.00001; 1000 Genomes Project 30x 0.00016.
gnomAD v4.1: 4 of 1,551,210 alleles (0.00026%); highest among the groups gnomAD compares: Middle Eastern, 0.017%; no homozygotes.

Submission:

Labcorp Genetics (formerly Invitae), Labcorp
Classification: Uncertain significance. Last evaluated: 2022-02-10. Review status: criteria provided, single submitter. Criteria: Invitae Variant Classification Sherloc (09022015). Collection method: clinical testing. Allele origin: germline.
Comment: This sequence change replaces cysteine, which is neutral and slightly polar, with tyrosine, which is neutral and polar, at codon 730 of the EYS protein (p.Cys730Tyr). This variant is not present in population databases (gnomAD no frequency). This variant has not been reported in the literature in individuals affected with EYS-related conditions. ClinVar contains an entry for this variant (Variation ID: 1036546). Algorithms developed to predict the effect of missense changes on protein structure and function (SIFT, PolyPhen-2, Align-GVGD) all suggest that this variant is likely to be disruptive. In summary, the available evidence is currently insufficient to determine the role of this variant in disease. Therefore, it has been classified as a Variant of Uncertain Significance.